The following is an entry in ClinVar:

ClinVar aggregate classification (germline): Conflicting classifications of pathogenicity. Review status: criteria provided, conflicting classifications (1 of 4 stars). 9 submissions from 5 submitters: Uncertain significance (5); Likely benign (3). 1 of the submissions does not count toward it. Last evaluated 2026-02-01.

Conditions:
Achondrogenesis, type IB (ACG1B). Also called: Achondrogenesis Type 1B. Identifiers: Orphanet 932, Orphanet 93298, MedGen C0265274, MONDO:0010966, OMIM 600972.
Atelosteogenesis type II (AO2). Also called: SLC26A2-Related Atelosteogenesis; NEONATAL OSSEOUS DYSPLASIA I; Neonatal osseous dysplasia 1. Identifiers: Orphanet 56304, MedGen C1850554, MONDO:0009727, OMIM 256050.
Multiple epiphyseal dysplasia type 4 (EDM4). Also called: Multiple Epiphyseal Dysplasia, Recessive; MULTIPLE EPIPHYSEAL DYSPLASIA WITH BILAYERED PATELLAE; MULTIPLE EPIPHYSEAL DYSPLASIA WITH CLUBFOOT; MULTIPLE EPIPHYSEAL DYSPLASIA, AUTOSOMAL RECESSIVE; SLC26A2-Related Multiple Epiphyseal Dysplasia. Identifiers: Orphanet 93307, MedGen C1847593, MONDO:0009189, OMIM 226900.
Diastrophic dysplasia (DTD). Also called: Diastrophic dwarfism. Identifiers: Orphanet 628, MedGen C0220726, MONDO:0009107, OMIM 222600.
Sulfate transporter-related osteochondrodysplasia. Also called: DTDST-related dysplasias. Identifiers: MedGen CN120497. Disease mechanism: loss of function.

Allele frequency attached by ClinVar (database versions not stated): TOPMed 0.00016; gnomAD 0.00022; ExAC 0.00026; gnomAD exomes 0.00028; 1000 Genomes Project 30x 0.00047; 1000 Genomes Project 0.00060.
gnomAD v4.1: 126 of 1,614,136 alleles (0.0078%); highest among the groups gnomAD compares: East Asian, 0.28%; 1 homozygote.

Submissions (9):

Labcorp Genetics (formerly Invitae), Labcorp
Classification: Likely benign for Atelosteogenesis type II; Multiple epiphyseal dysplasia type 4; Achondrogenesis, type IB; Diastrophic dysplasia. Last evaluated: 2026-02-01. Review status: criteria provided, single submitter. Criteria: Invitae Variant Classification Sherloc (09022015). Collection method: clinical testing. Allele origin: germline.

3billion
Classification: Uncertain significance for Multiple epiphyseal dysplasia type 4. Last evaluated: 2023-08-23. Review status: criteria provided, single submitter. Criteria: ACMG Guidelines, 2015. Collection method: clinical testing. Allele origin: germline. Affected: yes.
Comment: The variant is observed at an extremely low frequency in the gnomAD v2.1.1 dataset (total allele frequency: 0.028%). Predicted Consequence/Location: Protein truncation variants are a common disease-causing mechanism. In silico tool predictions suggest damaging effect of the variant on gene or gene product [REVEL: 0.64 (>=0.6, sensitivity 0.68 and specificity 0.92)]. The variant has been reported to be in trans with a pathogenic variant as either compound heterozygous or homozygous in at least one similarly affected unrelated individual (3billion dataset). The variant has been reported as benign without evidence for the classification (ClinVar ID: VCV000282910). Therefore, this variant is classified as VUS according to the recommendation of ACMG/AMP guideline.

Illumina Laboratory Services, Illumina
Classification: Likely benign for Atelosteogenesis type II. Last evaluated: 2018-01-13. Review status: criteria provided, single submitter. Criteria: ICSL Variant Classification Criteria 13 December 2019. Collection method: clinical testing. Allele origin: germline.
Comment: This variant was observed in the ICSL laboratory as part of a predisposition screen in an ostensibly healthy population. It had not been previously curated by ICSL or reported in the Human Gene Mutation Database (HGMD: prior to June 1st, 2018), and was therefore a candidate for classification through an automated scoring system. Utilizing variant allele frequency, disease prevalence and penetrance estimates, and inheritance mode, an automated score was calculated to assess if this variant is too frequent to cause the disease. Based on the score and internal cut-off values, a variant classified as likely benign is not then subjected to further curation. The score for this variant resulted in a classification of likely benign for this disease.

Illumina Laboratory Services, Illumina
Classification: Likely benign for Achondrogenesis, type IB. Last evaluated: 2018-01-13. Review status: criteria provided, single submitter. Criteria: ICSL Variant Classification Criteria 13 December 2019. Collection method: clinical testing. Allele origin: germline.
Comment: the same text as in the submission from Illumina Laboratory Services, Illumina above.

Illumina Laboratory Services, Illumina
Classification: Uncertain significance for Diastrophic dysplasia. Last evaluated: 2018-01-13. Review status: criteria provided, single submitter. Criteria: ICSL Variant Classification Criteria 13 December 2019. Collection method: clinical testing. Allele origin: germline.

Illumina Laboratory Services, Illumina
Classification: Uncertain significance for Osteochondrodysplasia. Last evaluated: 2018-01-13. Review status: criteria provided, single submitter. Criteria: ICSL Variant Classification Criteria 13 December 2019. Collection method: clinical testing. Allele origin: germline.

Illumina Laboratory Services, Illumina
Classification: Uncertain significance for Multiple epiphyseal dysplasia type 4. Last evaluated: 2018-01-13. Review status: criteria provided, single submitter. Criteria: ICSL Variant Classification Criteria 13 December 2019. Collection method: clinical testing. Allele origin: germline.

Eurofins Ntd Llc (ga)
Classification: Uncertain significance. Last evaluated: 2015-08-30. Review status: criteria provided, single submitter. Criteria: EGL Classification Definitions 2015. Collection method: clinical testing. Allele origin: germline. Observed: 1 variant allele, 1 heterozygote.

Natera, Inc.
Classification: Uncertain significance for Achondrogenesis type IB. Last evaluated: 2020-01-09. Review status: no assertion criteria provided. Collection method: clinical testing. Allele origin: germline. Not counted in ClinVar's aggregate classification.

NM_000112.4(SLC26A2):c.1512G>A (p.Met504Ile)

Gene: SLC26A2 (solute carrier family 26 member 2; plus strand). Cytogenetic location: 5q32.
Variant type: single nucleotide variant.
Coding change: c.1512G>A on transcript NM_000112.4 (MANE Select); coding-DNA position 1512, G replaced by A.
Protein change: p.Met504Ile; replaces methionine 504 with isoleucine.
Molecular consequence: missense variant.
Genome position (GRCh38, 1-based): chr5:149,981,105, G>A. VCF-style: chr5-149981105-G-A. GRCh37 (hg19) VCF-style: chr5-149360668-G-A.
Other names: short protein forms M504I.
Identifiers: ClinVar variation 282910 (VCV000282910.20), dbSNP rs76668544, ClinGen allele CA3505452.